The following is an entry in ClinVar:

NM_000482.4(APOA4):c.37G>A (p.Val13Met)

Gene: APOA4 (apolipoprotein A4; minus strand). Cytogenetic location: 11q23.3.
Variant type: single nucleotide variant.
Coding change: c.37G>A on transcript NM_000482.4 (MANE Select); coding-DNA position 37, G replaced by A.
Protein change: p.Val13Met; replaces valine 13 with methionine.
Molecular consequence: missense variant.
Genome position (GRCh38, 1-based): chr11:116,823,155, C>T on the plus strand (G>A on the coding strand, the complement: APOA4 is on the minus strand). VCF-style: chr11-116823155-C-T. GRCh37 (hg19) VCF-style: chr11-116693871-C-T.
Other names: c.37G>A (NM_000482.3); short protein forms V13M.
Identifiers: ClinVar variation 1629479 (VCV001629479.11), dbSNP rs12721041, ClinGen allele CA6289564.

ClinVar aggregate classification (germline): Benign. Review status: criteria provided, multiple submitters, no conflicts (2 of 4 stars). 3 submissions from 3 submitters: Benign (2). 1 of the submissions does not count toward it. Last evaluated 2026-01-25.

Conditions:
APOA4-related disorder. Also called: APOA4-related condition.

Allele frequency attached by ClinVar (database versions not stated): 1000 Genomes Project 0.00300; 1000 Genomes Project 30x 0.00344; gnomAD 0.00951 and 0.01066; TOPMed 0.00966; gnomAD exomes 0.00999; ExAC 0.01002; ESP Exome Variant Server 0.01201.

Submissions (3):

Labcorp Genetics (formerly Invitae), Labcorp
Classification: Benign. Last evaluated: 2026-01-25. Review status: criteria provided, single submitter. Criteria: Invitae Variant Classification Sherloc (09022015). Collection method: clinical testing. Allele origin: germline.

Breakthrough Genomics
Classification: Benign. Review status: criteria provided, single submitter. Criteria: ACMG Guidelines, 2015. Collection method: not provided. Allele origin: germline. Inheritance: Unknown mechanism. Affected: yes.

PreventionGenetics, part of Exact Sciences
Classification: Likely benign for APOA4-related condition. Last evaluated: 2023-11-08. Review status: no assertion criteria provided. Collection method: clinical testing. Allele origin: germline. Not counted in ClinVar's aggregate classification.
Comment: This variant is classified as likely benign based on ACMG/AMP sequence variant interpretation guidelines (Richards et al. 2015 PMID: 25741868, with internal and published modifications).